The following is an entry in ClinVar:

NM_007294.4(BRCA1):c.2591C>T (p.Ser864Leu)

Gene: BRCA1 (BRCA1 DNA repair associated; minus strand). Cytogenetic location: 17q21.31.
Variant type: single nucleotide variant.
Coding change: c.2591C>T on transcript NM_007294.4 (MANE Select); coding-DNA position 2591, C replaced by T.
Protein change: p.Ser864Leu; replaces serine 864 with leucine.
Molecular consequence: missense variant. On other transcripts: intron variant (137).
Genome position (GRCh38, 1-based): chr17:43,092,940, G>A on the plus strand (C>T on the coding strand, the complement: BRCA1 is on the minus strand). VCF-style: chr17-43092940-G-A. GRCh37 (hg19) VCF-style: chr17-41244957-G-A.
Other names: c.784+1804C>T (NM_001408401.1, NM_001408396.1, NM_001407985.1 and 13 more transcripts); c.548-1908C>T (NM_001408494.1); c.664+1804C>T (NM_001408444.1, NM_001408438.1, NM_001408430.1 and 12 more transcripts); c.671-1908C>T (NM_001408423.1, NM_001408420.1, NM_001408419.1 and 2 more transcripts); c.787+1804C>T (NM_001408404.1, NM_001408472.1, NM_001407990.1 and 17 more transcripts); c.788-801C>T (NM_001407969.1, NM_001407968.1); c.577+1804C>T (NM_001408492.1, NM_001408513.1, NM_001408489.1 and 9 more transcripts); c.643+1804C>T (NM_001408468.1, NM_001408465.1, NM_001408463.1 and 3 more transcripts); and 41 more; short protein forms S864L, S817L, S736L, S775L, S776L, S796L, S816L, S823L.
Identifiers: ClinVar variation 54611 (VCV000054611.25), dbSNP rs80357003, ClinGen allele CA001704.

ClinVar aggregate classification (germline): Conflicting classifications of pathogenicity. Review status: criteria provided, conflicting classifications (1 of 4 stars). 8 submissions from 8 submitters: Uncertain significance (5); Likely benign (2). 1 of the submissions does not count toward it. Last evaluated 2025-11-12.

Conditions:
BRCA1-related cancer predisposition. Identifiers: MedGen CN377757, MONDO:0700268.
Hereditary cancer-predisposing syndrome. Also called: Tumor predisposition; Neoplastic Syndromes, Hereditary; Hereditary Cancer Syndrome; Hereditary neoplastic syndrome. Identifiers: Orphanet 140162, MedGen C0027672, MeSH D009386, MONDO:0015356.
Hereditary breast ovarian cancer syndrome. Also called: Hereditary breast and ovarian cancer syndrome (HBOC); Hereditary breast and ovarian cancer syndrome; Hereditary breast and ovarian cancer; Hereditary breast and/or ovarian cancer syndrome; Breast and ovarian cancer; BRCA1- and BRCA2-Associated Hereditary Breast and Ovarian Cancer. Identifiers: Orphanet 145, MedGen C0677776, MeSH D061325, MONDO:0003582. Disease mechanism: loss of function.
Breast-ovarian cancer, familial, susceptibility to, 1 (BROVCA1). Also called: OVARIAN CANCER, SUSCEPTIBILITY TO; BRCA1 Hereditary Breast and Ovarian Cancer. Identifiers: Orphanet 145, MedGen C2676676, MONDO:0011450, OMIM 604370. Disease mechanism: loss of function.

Allele frequency attached by ClinVar (database versions not stated): gnomAD exomes below 0.00001; TOPMed below 0.00001; ExAC 0.00001.

Submissions (8):

Labcorp Genetics (formerly Invitae), Labcorp
Classification: Uncertain significance for Hereditary breast ovarian cancer syndrome. Last evaluated: 2025-11-12. Review status: criteria provided, single submitter. Criteria: Invitae Variant Classification Sherloc (09022015). Collection method: clinical testing. Allele origin: germline.
Comment: This sequence change replaces serine, which is neutral and polar, with leucine, which is neutral and non-polar, at codon 864 of the BRCA1 protein (p.Ser864Leu). This variant is present in population databases (rs80357003, gnomAD 0.003%). This missense change has been observed in individual(s) with clinical features of BRCA1-related conditions (PMID: 10923033). ClinVar contains an entry for this variant (Variation ID: 54611). Invitae Evidence Modeling of protein sequence and biophysical properties (such as structural, functional, and spatial information, amino acid conservation, physicochemical variation, residue mobility, and thermodynamic stability) indicates that this missense variant is expected to disrupt BRCA1 protein function with a positive predictive value of 80%. In summary, the available evidence is currently insufficient to determine the role of this variant in disease. Therefore, it has been classified as a Variant of Uncertain Significance.

Quest Diagnostics Nichols Institute San Juan Capistrano
Classification: Uncertain significance. Last evaluated: 2025-05-28. Review status: criteria provided, single submitter. Criteria: Quest Diagnostics criteria. Collection method: clinical testing. Allele origin: unknown.
Comment: The BRCA1 c.2591C>T (p.Ser864Leu) variant has been reported in the published literature in individuals with breast and/or ovarian cancer (PMID: 16267036 (2005)) and a personal or family history of cancer (PMID: 31853058 (2020)), and described to be located in a region of the BRCA1 gene that is tolerant to missense sequence changes (PMID: 31911673 (2020)). The frequency of this variant in the general population (Genome Aggregation Database) is uninformative in the assessment of its pathogenicity. Analysis of this variant using bioinformatics tools for the prediction of the effect of amino acid changes on protein structure and function yielded predictions that this variant is damaging. Based on the available information, we are unable to determine the clinical significance of this variant.

Ambry Genetics
Classification: Uncertain significance for Hereditary cancer-predisposing syndrome. Last evaluated: 2025-03-18. Review status: criteria provided, single submitter. Criteria: Ambry Variant Classification Scheme 2023. Collection method: clinical testing. Allele origin: germline.
Comment: The p.S864L variant (also known as c.2591C>T), located in coding exon 9 of the BRCA1 gene, results from a C to T substitution at nucleotide position 2591. The serine at codon 864 is replaced by leucine, an amino acid with dissimilar properties. This amino acid position is highly conserved in available vertebrate species. In addition, this alteration is predicted to be deleterious by in silico analysis. Since supporting evidence is limited at this time, the clinical significance of this alteration remains unclear.

All of Us Research Program, National Institutes of Health
Classification: Uncertain significance for BRCA1-related cancer predisposition. Last evaluated: 2024-05-13. Review status: criteria provided, single submitter. Criteria: ACMG Guidelines, 2015. Collection method: clinical testing. Allele origin: germline. Inheritance: Autosomal dominant inheritance. Observed: 1 variant allele, 1 heterozygote.
Comment: This missense variant replaces serine with leucine at codon 864 of the BRCA1 protein. Computational prediction suggests that this variant may have deleterious impact on protein structure and function (internally defined REVEL score threshold >= 0.7, PMID: 27666373). To our knowledge, functional studies have not been reported for this variant. A multifactorial analysis has reported co-occurrence and family history likelihood ratios for pathogenicity of 1.0331 and 0.6389, respectively (PMID: 31131967). This variant has been identified in 1/251076 chromosomes in the general population by the Genome Aggregation Database (gnomAD). The available evidence is insufficient to determine the role of this variant in disease conclusively. Therefore, this variant is classified as a Variant of Uncertain Significance.

This study involves interpretation of variants in research participants for the purpose of population health screening. Participant phenotype was not available at the time of variant classification. Additional details can be found in publication PMID: 35346344, PMCID: PMC8962531

Myriad Genetics, Inc.
Classification: Likely benign for Breast-ovarian cancer, familial, susceptibility to, 1. Last evaluated: 2024-02-02. Review status: criteria provided, single submitter. Criteria: Myriad Autosomal Dominant, Autosomal Recessive and X-Linked Classification Criteria (2023). Collection method: clinical testing. Allele origin: unknown.
Comment: This variant is considered likely benign. This variant is strongly associated with less severe personal and family histories of cancer, typical for individuals without pathogenic variants in this gene [PMID: 25085752].

University of Washington Department of Laboratory Medicine, University of Washington
Classification: Likely benign for Hereditary cancer-predisposing syndrome. Last evaluated: 2023-03-23. Review status: criteria provided, single submitter. Criteria: Dines et al. (Genet Med. 2020). Collection method: curation. Allele origin: germline.
Comment: Missense variant in a coldspot region where missense variants are very unlikely to be pathogenic (PMID:31911673).

BRCA1 coldspot (exon 11 using historical exon numbering). Reclassification based on statistical prior probability

Color Diagnostics, LLC DBA Color Health
Classification: Uncertain significance for Hereditary cancer-predisposing syndrome. Last evaluated: 2021-11-17. Review status: criteria provided, single submitter. Criteria: ACMG Guidelines, 2015. Collection method: clinical testing. Allele origin: germline.
Comment: This missense variant replaces serine with leucine at codon 864 of the BRCA1 protein. Computational prediction suggests that this variant may have deleterious impact on protein structure and function (internally defined REVEL score threshold >= 0.7, PMID: 27666373). To our knowledge, functional studies have not been reported for this variant. A multifactorial analysis has reported co-occurrence and family history likelihood ratios for pathogenicity of 1.0331 and 0.6389, respectively (PMID: 31131967). This variant has been identified in 1/251076 chromosomes in the general population by the Genome Aggregation Database (gnomAD). The available evidence is insufficient to determine the role of this variant in disease conclusively. Therefore, this variant is classified as a Variant of Uncertain Significance.

Breast Cancer Information Core (BIC) (BRCA1)
Classification: Uncertain significance for Breast-ovarian cancer, familial 1. Last evaluated: 2003-12-23. Review status: no assertion criteria provided. Collection method: clinical testing. Allele origin: germline. Affected: yes. Observed: 1 variant allele. Not counted in ClinVar's aggregate classification.

Literature cited by the submitters: PubMed 10923033 (cited by Labcorp Genetics (formerly Invitae), Labcorp); PubMed 30630528 (cited by Quest Diagnostics Nichols Institute San Juan Capistrano); PubMed 31911673 (cited by Quest Diagnostics Nichols Institute San Juan Capistrano); PubMed 31853058 (cited by Quest Diagnostics Nichols Institute San Juan Capistrano); PubMed 16267036 (cited by Quest Diagnostics Nichols Institute San Juan Capistrano); PubMed 31209999 (cited by Quest Diagnostics Nichols Institute San Juan Capistrano); PubMed 31131967 (cited by All of Us Research Program, National Institutes of Health and Color Diagnostics, LLC DBA Color Health); PubMed 25085752 (cited by Myriad Genetics, Inc.).